The following is an entry in ClinVar:

NM_002661.5(PLCG2):c.1655T>C (p.Met552Thr)

Gene: PLCG2 (phospholipase C gamma 2; plus strand). Cytogenetic location: 16q23.3.
Variant type: single nucleotide variant.
Coding change: c.1655T>C on transcript NM_002661.5 (MANE Select); coding-DNA position 1655, T replaced by C.
Protein change: p.Met552Thr; replaces methionine 552 with threonine.
Molecular consequence: missense variant.
Genome position (GRCh38, 1-based): chr16:81,908,513, T>C. VCF-style: chr16-81908513-T-C. GRCh37 (hg19) VCF-style: chr16-81942118-T-C.
Other names: c.1655T>C, p.Met552Thr (NM_001425749.1, NM_001425750.1, NM_001425751.1); short protein forms M552T.
Identifiers: ClinVar variation 3649316 (VCV003649316.2).
Genomic context (GRCh38, chr16:81,908,513, plus strand): 5'-GGTTCCACAAGAAGGTGGAGAAGAGGACGAGTGCCGAGAAGTTGCTGCAGGAATACTGCA[T>C]GGAGACGGGGGGCAAGGATGGCACCTTCCTGGTTCGGGAGAGCGAGACCTTCCCCAATGA-3'
Protein context (NP_002652.2, residues 542-562): SAEKLLQEYC[Met552Thr]ETGGKDGTFL

ClinVar aggregate classification (germline): Uncertain significance (1 of 4 stars; one submission).

Conditions:
Familial cold autoinflammatory syndrome 3 (FCAS3). Also called: FAMILIAL ATYPICAL COLD URTICARIA; ANTIBODY DEFICIENCY AND IMMUNE DYSREGULATION, PLCG2-ASSOCIATED. Identifiers: Orphanet 300359, MedGen C3280914, MONDO:0013766, OMIM 614468.

gnomAD v4.1: 3 of 1,613,980 alleles (0.00019%); highest among the groups gnomAD compares: East Asian, 0.0045%; no homozygotes.

Submission:

Labcorp Genetics (formerly Invitae), Labcorp
Classification: Uncertain significance for Familial cold autoinflammatory syndrome 3. Last evaluated: 2024-04-22. Review status: criteria provided, single submitter. Criteria: Invitae Variant Classification Sherloc (09022015). Collection method: clinical testing. Allele origin: germline.
Comment: This sequence change replaces methionine, which is neutral and non-polar, with threonine, which is neutral and polar, at codon 552 of the PLCG2 protein (p.Met552Thr). This variant is present in population databases (no rsID available, gnomAD 0.01%). This variant has not been reported in the literature in individuals affected with PLCG2-related conditions. Algorithms developed to predict the effect of missense changes on protein structure and function output the following: SIFT: "Not Available"; PolyPhen-2: "Benign"; Align-GVGD: "Not Available". The threonine amino acid residue is found in multiple mammalian species, which suggests that this missense change does not adversely affect protein function. In summary, the available evidence is currently insufficient to determine the role of this variant in disease. Therefore, it has been classified as a Variant of Uncertain Significance.